The following is an entry in ClinVar:

NM_006204.4(PDE6C):c.1098G>A (p.Ala366=)

Gene: PDE6C (phosphodiesterase 6C; plus strand). Cytogenetic location: 10q23.33.
Variant type: single nucleotide variant.
Coding change: c.1098G>A on transcript NM_006204.4 (MANE Select); coding-DNA position 1098, G replaced by A.
Protein change: p.Ala366=; no amino-acid change (alanine 366 retained).
Molecular consequence: synonymous variant.
Genome position (GRCh38, 1-based): chr10:93,629,284, G>A. VCF-style: chr10-93629284-G-A. GRCh37 (hg19) VCF-style: chr10-95389041-G-A.
Identifiers: ClinVar variation 259938 (VCV000259938.22), dbSNP rs714550, ClinGen allele CA5610060.

ClinVar aggregate classification (germline): Benign. Review status: criteria provided, multiple submitters, no conflicts (2 of 4 stars). 9 submissions from 8 submitters: Benign (7). 2 of the submissions do not count toward it. Last evaluated 2026-02-04.

Conditions:
Achromatopsia. Also called: Rod monochromatism. Identifiers: Orphanet 49382, MedGen C0152200, MONDO:0018852, HP:0011516.
Cone dystrophy 4 (COD4). Identifiers: Orphanet 49382, MedGen C2751308, MONDO:0013129, OMIM 613093.

Allele frequency attached by ClinVar (database versions not stated): gnomAD exomes 0.33648 and 0.35290; ExAC 0.34962; ESP Exome Variant Server 0.36629; gnomAD 0.36718 and 0.36884; TOPMed 0.37729; 1000 Genomes Project 0.39577; 1000 Genomes Project 30x 0.39991.
gnomAD v4.1: 545,153 of 1,603,472 alleles (34%); highest among the groups gnomAD compares: East Asian, 47%; 95,157 homozygotes.

Submissions (9):

Labcorp Genetics (formerly Invitae), Labcorp
Classification: Benign. Last evaluated: 2026-02-04. Review status: criteria provided, single submitter. Criteria: Invitae Variant Classification Sherloc (09022015). Collection method: clinical testing. Allele origin: germline.

Blueprint Genetics
Classification: Benign. Last evaluated: 2024-11-27. Review status: criteria provided, single submitter. Criteria: ACMG Guidelines, 2015. Collection method: clinical testing. Allele origin: germline.

Illumina Laboratory Services, Illumina
Classification: Benign for Achromatopsia. Last evaluated: 2018-01-13. Review status: criteria provided, single submitter. Criteria: ICSL Variant Classification Criteria 13 December 2019. Collection method: clinical testing. Allele origin: germline.
Comment: This variant was observed in the ICSL laboratory as part of a predisposition screen in an ostensibly healthy population. It had not been previously curated by ICSL or reported in the Human Gene Mutation Database (HGMD: prior to June 1st, 2018), and was therefore a candidate for classification through an automated scoring system. Utilizing variant allele frequency, disease prevalence and penetrance estimates, and inheritance mode, an automated score was calculated to assess if this variant is too frequent to cause the disease. Based on the score and internal cut-off values, a variant classified as benign is not then subjected to further curation. The score for this variant resulted in a classification of benign for this disease.

Illumina Laboratory Services, Illumina
Classification: Benign for Cone dystrophy 4. Last evaluated: 2018-01-13. Review status: criteria provided, single submitter. Criteria: ICSL Variant Classification Criteria 13 December 2019. Collection method: clinical testing. Allele origin: germline.
Comment: the same text as in the submission from Illumina Laboratory Services, Illumina above.

GeneDx
Classification: Benign. Last evaluated: 2015-03-03. Review status: criteria provided, single submitter. Criteria: GeneDx Variant Classification Process June 2021. Collection method: clinical testing. Allele origin: germline. Affected: yes.

Breakthrough Genomics
Classification: Benign. Review status: criteria provided, single submitter. Criteria: ACMG Guidelines, 2015. Collection method: not provided. Allele origin: germline. Inheritance: Autosomal recessive inheritance. Affected: yes.

PreventionGenetics, part of Exact Sciences
Classification: Benign. Review status: criteria provided, single submitter. Criteria: ACMG Guidelines, 2015. Collection method: clinical testing. Allele origin: germline.

Diagnostic Laboratory, Department of Genetics, University Medical Center Groningen
Classification: Benign. Review status: no assertion criteria provided. Collection method: clinical testing. Allele origin: germline. Affected: yes. Study: VKGL Data-share Consensus. Not counted in ClinVar's aggregate classification.

Joint Genome Diagnostic Labs from Nijmegen and Maastricht, Radboudumc and MUMC+
Classification: Benign. Review status: no assertion criteria provided. Collection method: clinical testing. Allele origin: germline. Affected: yes. Study: VKGL Data-share Consensus. Not counted in ClinVar's aggregate classification.